The following is an entry in ClinVar:

NM_000255.4(MMUT):c.1351G>T (p.Glu451Ter)

Gene: MMUT (methylmalonyl-CoA mutase; minus strand). Cytogenetic location: 6p12.3.
Variant type: single nucleotide variant.
Coding change: c.1351G>T on transcript NM_000255.4 (MANE Select); coding-DNA position 1351, G replaced by T.
Protein change: p.Glu451Ter; replaces glutamic acid 451 with a stop codon.
Molecular consequence: nonsense.
Genome position (GRCh38, 1-based): chr6:49,448,909, C>A on the plus strand (G>T on the coding strand, the complement: MMUT is on the minus strand). VCF-style: chr6-49448909-C-A. GRCh37 (hg19) VCF-style: chr6-49416622-C-A.
Other names: short protein forms E451*.
Identifiers: ClinVar variation 557114 (VCV000557114.10), dbSNP rs768608311, ClinGen allele CA364398282.

ClinVar aggregate classification (germline): Pathogenic. Review status: criteria provided, single submitter (1 of 4 stars). 2 submissions from 2 submitters: Pathogenic (1). 1 of the submissions does not count toward it. Last evaluated 2021-09-26.

Conditions:
Methylmalonic aciduria due to methylmalonyl-CoA mutase deficiency (MAMM). Also called: Methylmalonic aciduria, mut type. Identifiers: Orphanet 27, MedGen C1855114, MONDO:0009612, OMIM 251000.

gnomAD v4.1: 9 of 1,612,476 alleles (0.00056%); highest among the groups gnomAD compares: Non-Finnish European, 0.00076%; no homozygotes.

Submissions (2):

Labcorp Genetics (formerly Invitae), Labcorp
Classification: Pathogenic. Last evaluated: 2021-09-26. Review status: criteria provided, single submitter. Criteria: Invitae Variant Classification Sherloc (09022015). Collection method: clinical testing. Allele origin: germline.
Comment: For these reasons, this variant has been classified as Pathogenic. ClinVar contains an entry for this variant (Variation ID: 557114). This premature translational stop signal has been observed in individuals with methylmalonyl-CoA mutase deficiency (PMID: 16281286, 16435223). This variant is not present in population databases (ExAC no frequency). This sequence change creates a premature translational stop signal (p.Glu451*) in the MUT gene. It is expected to result in an absent or disrupted protein product. Loss-of-function variants in MUT are known to be pathogenic (PMID: 15781192).

Counsyl
Classification: Likely pathogenic for Methylmalonic aciduria due to methylmalonyl-CoA mutase deficiency. Last evaluated: 2018-03-08. Review status: no assertion criteria provided. Collection method: clinical testing. Allele origin: unknown. Not counted in ClinVar's aggregate classification.

Literature cited by the submitters: PubMed 16281286 (cited by Labcorp Genetics (formerly Invitae), Labcorp and Counsyl); PubMed 16435223 (cited by Labcorp Genetics (formerly Invitae), Labcorp and Counsyl); PubMed 15781192 (cited by Labcorp Genetics (formerly Invitae), Labcorp).